The following is an entry in ClinVar:

NM_001040108.2(MLH3):c.4205C>T (p.Pro1402Leu)

Gene: MLH3 (mutL homolog 3; minus strand). Cytogenetic location: 14q24.3.
Variant type: single nucleotide variant.
Coding change: c.4205C>T on transcript NM_001040108.2 (MANE Select); coding-DNA position 4205, C replaced by T.
Protein change: p.Pro1402Leu; replaces proline 1402 with leucine.
Molecular consequence: missense variant.
Genome position (GRCh38, 1-based): chr14:75,018,866, G>A on the plus strand (C>T on the coding strand, the complement: MLH3 is on the minus strand). VCF-style: chr14-75018866-G-A. GRCh37 (hg19) VCF-style: chr14-75485569-G-A.
Other names: c.4133C>T, p.Pro1378Leu (NM_014381.3); short protein forms P1378L, P1402L.
Identifiers: ClinVar variation 847925 (VCV000847925.13), dbSNP rs776206735, ClinGen allele CA7275202.

ClinVar aggregate classification (germline): Uncertain significance. Review status: criteria provided, multiple submitters, no conflicts (2 of 4 stars). 2 submissions from 2 submitters: Uncertain significance (2). Last evaluated 2025-03-15.

Conditions:
Colorectal cancer, hereditary nonpolyposis, type 7. Identifiers: Orphanet 144, MedGen C1858380, MONDO:0013725, OMIM 614385.

Allele frequency attached by ClinVar (database versions not stated): TOPMed below 0.00001; gnomAD 0.00001; gnomAD exomes 0.00001; ExAC 0.00002.
gnomAD v4.1: 11 of 1,614,022 alleles (0.00068%); highest among the groups gnomAD compares: Non-Finnish European, 0.00093%; no homozygotes.

Submissions (2):

Ambry Genetics
Classification: Uncertain significance. Last evaluated: 2025-03-15. Review status: criteria provided, single submitter. Criteria: Ambry Variant Classification Scheme 2023. Collection method: clinical testing. Allele origin: germline.
Comment: The p.P1402L variant (also known as c.4205C>T), located in coding exon 11 of the MLH3 gene, results from a C to T substitution at nucleotide position 4205. The proline at codon 1402 is replaced by leucine, an amino acid with similar properties. This amino acid position is highly conserved in available vertebrate species. In addition, the in silico prediction for this alteration is inconclusive. Since supporting evidence is limited at this time, the clinical significance of this alteration remains unclear.

Labcorp Genetics (formerly Invitae), Labcorp
Classification: Uncertain significance for Colorectal cancer, hereditary nonpolyposis, type 7. Last evaluated: 2023-02-09. Review status: criteria provided, single submitter. Criteria: Invitae Variant Classification Sherloc (09022015). Collection method: clinical testing. Allele origin: germline.
Comment: ClinVar contains an entry for this variant (Variation ID: 847925). This sequence change replaces proline, which is neutral and non-polar, with leucine, which is neutral and non-polar, at codon 1402 of the MLH3 protein (p.Pro1402Leu). This variant is present in population databases (rs776206735, gnomAD 0.003%). This variant has not been reported in the literature in individuals affected with MLH3-related conditions. Algorithms developed to predict the effect of missense changes on protein structure and function (SIFT, PolyPhen-2, Align-GVGD) all suggest that this variant is likely to be disruptive. In summary, the available evidence is currently insufficient to determine the role of this variant in disease. Therefore, it has been classified as a Variant of Uncertain Significance.